The following is an entry in ClinVar:

NM_014822.4(SEC24D):c.*7C>T

Gene: SEC24D (SEC24 homolog D, COPII component; minus strand). Cytogenetic location: 4q26.
Variant type: single nucleotide variant.
Coding change: c.*7C>T on transcript NM_014822.4 (MANE Select); 7 bases downstream of the stop codon, C replaced by T.
Molecular consequence: 3 prime UTR variant.
Genome position (GRCh38, 1-based): chr4:118,723,508, G>A on the plus strand (C>T on the coding strand, the complement: SEC24D is on the minus strand). VCF-style: chr4-118723508-G-A. GRCh37 (hg19) VCF-style: chr4-119644663-G-A.
Other names: c.*7C>T (NM_001318066.2).
Identifiers: ClinVar variation 4813405 (VCV004813405.1).

ClinVar aggregate classification (germline): Uncertain significance (1 of 4 stars; one submission).

gnomAD v4.1: 31 of 1,606,030 alleles (0.0019%); highest among the groups gnomAD compares: Admixed American, 0.024%; no homozygotes.

Submission:

GeneDx
Classification: Uncertain significance. Last evaluated: 2025-09-15. Review status: criteria provided, single submitter. Criteria: GeneDx Variant Classification Process June 2021. Collection method: clinical testing. Allele origin: germline. Affected: yes.
Comment: Located in a regulatory region; in the absence of functional studies, the actual effect of this sequence change is unknown; Located in a region that tolerates variation and lacks pathogenic variants; Has not been previously published as pathogenic or benign to our knowledge